The following is an entry in ClinVar:

NM_032217.5(ANKRD17):c.7127G>C (p.Ser2376Thr)

Gene: ANKRD17 (ankyrin repeat domain 17; minus strand). Cytogenetic location: 4q13.3.
Variant type: single nucleotide variant.
Coding change: c.7127G>C on transcript NM_032217.5 (MANE Select); coding-DNA position 7127, G replaced by C.
Protein change: p.Ser2376Thr; replaces serine 2376 with threonine.
Molecular consequence: missense variant.
Genome position (GRCh38, 1-based): chr4:73,085,281, C>G on the plus strand (G>C on the coding strand, the complement: ANKRD17 is on the minus strand). VCF-style: chr4-73085281-C-G. GRCh37 (hg19) VCF-style: chr4-73950998-C-G.
Other names: c.6788G>C, p.Ser2263Thr (NM_001286771.3); c.7124G>C, p.Ser2375Thr (NM_015574.2); c.6374G>C, p.Ser2125Thr (NM_198889.3); short protein forms S2125T, S2263T, S2375T, S2376T.
Identifiers: ClinVar variation 4820306 (VCV004820306.1).
Genomic context (GRCh38, chr4:73,085,281, plus strand): 5'-TTATGGAATTACGGTGTATAAAACTCACCATTTGATGCTGATGAACACGGAGTCAACAAA[C>G]TAAGCGGGGAAAAATGTTGTCTGTTAAAGTTAGCAGCTGCGGGTGCTCCTCCAAGGGGTG-3'
Protein context (NP_115593.3, residues 2366-2386): NFNRQHFSPL[Ser2376Thr]LLTPCSSASN

ClinVar aggregate classification (germline): Likely benign (1 of 4 stars; one submission).

Conditions:
Chopra-Amiel-Gordon syndrome (CAGS). Also called: ANKRD17-Related Neurodevelopmental Syndrome. Identifiers: MedGen C5561975, MONDO:0859186, OMIM 619504.

gnomAD v4.1: 2 of 1,614,064 alleles (0.00012%); highest among the groups gnomAD compares: Non-Finnish European, 0.00017%; no homozygotes.

Submission:

Centre for Medical Genetics,  Mumbai
Classification: Likely benign for Chopra-Amiel-Gordon syndrome. Last evaluated: 2026-03-26. Review status: criteria provided, single submitter. Criteria: ACMG Guidelines, 2015. Collection method: provider interpretation. Allele origin: germline. Inheritance: Autosomal dominant inheritance. Affected: no. Observed: 1 variant allele, 1 heterozygote.
Comment: The variant satisfies PM2 criteria; Extremely low frequency in gnomAD population databases. The variant satisfies PP2 criteria; Missense variant in a gene with low rate of benign missense mutations and for which missense mutation is a common mechanism of a disease. The variant satisfies BP4 criteria; For a missense or a splice region variant, computational prediction tools unanimously support a benign effect on the gene. However, the variant satisfies BS2 criteria.

Literature cited by the submitters: PubMed 33909992.